The following is an entry in ClinVar:

ClinVar aggregate classification (germline): Conflicting classifications of pathogenicity. Review status: criteria provided, conflicting classifications (1 of 4 stars). 2 submissions from 2 submitters: Uncertain significance (1); Likely benign (1). Last evaluated 2025-11-10.

gnomAD v4.1: 5 of 1,613,386 alleles (0.00031%); highest among the groups gnomAD compares: Admixed American, 0.0017%; no homozygotes.

Submissions (2):

Labcorp Genetics (formerly Invitae), Labcorp
Classification: Likely benign. Last evaluated: 2025-11-10. Review status: criteria provided, single submitter. Criteria: Invitae Variant Classification Sherloc (09022015). Collection method: clinical testing. Allele origin: germline.

GeneDx
Classification: Uncertain significance. Last evaluated: 2024-06-22. Review status: criteria provided, single submitter. Criteria: GeneDx Variant Classification Process June 2021. Collection method: clinical testing. Allele origin: germline. Affected: yes.
Comment: In silico analysis indicates that this variant does not alter splicing; Has not been previously published as pathogenic or benign to our knowledge

NM_004530.6(MMP2):c.833-9C>G

Gene: MMP2 (matrix metallopeptidase 2; plus strand). Cytogenetic location: 16q12.2.
Variant type: single nucleotide variant.
Coding change: c.833-9C>G on transcript NM_004530.6 (MANE Select); 9 bases into the intron before coding-DNA position 833, C replaced by G.
Molecular consequence: intron variant.
Genome position (GRCh38, 1-based): chr16:55,488,534, C>G. VCF-style: chr16-55488534-C-G. GRCh37 (hg19) VCF-style: chr16-55522446-C-G.
Other names: c.605-9C>G (NM_001302508.1, NM_001302510.2, NM_001302509.2); c.683-9C>G (NM_001127891.3).
Identifiers: ClinVar variation 3391498 (VCV003391498.2).